The following is an entry in ClinVar:

NM_000059.4(BRCA2):c.4961_4971del (p.Cys1654fs)

Gene: BRCA2 (BRCA2 DNA repair associated; plus strand). Cytogenetic location: 13q13.1.
Variant type: Deletion.
Coding change: c.4961_4971del on transcript NM_000059.4 (MANE Select); coding-DNA positions 4961 to 4971, 11 bases deleted (GTTACACAAAT).
Protein change: p.Cys1654fs; shifts the reading frame from cysteine 1654.
Molecular consequence: frameshift variant.
Genome position (GRCh38, 1-based): chr13:32,339,316-32,339,326, GTTACACAAAT deleted; deleting any 11 consecutive bases within chr13:32,339,315-32,339,326 gives the same sequence; the c. name uses the placement nearest the transcript's 3' end. VCF-style (leftmost placement, unchanged base first): chr13-32339314-TTGTTACACAAA-T. GRCh37 (hg19) VCF-style: chr13-32913451-TTGTTACACAAA-T.
Other names: short protein forms C1654fs.
Identifiers: ClinVar variation 1692117 (VCV001692117.1), dbSNP rs2137512109, ClinGen allele CA2573149304.
Genomic context (GRCh38, chr13:32,339,314, plus strand): 5'-CTTTTTGAAAGTTAAAGTACATGAAAATGTAGAAAAAGAAACAGCAAAAAGTCCTGCAAC[TTGTTACACAAA>T]TCAGTCCCCTTATTCAGTCATTGAAAATTCAGCCTTAGCTTTTTACACAAGTTGTAGTAG-3'

ClinVar aggregate classification (germline): Likely pathogenic (1 of 4 stars; one submission).

Conditions:
Hereditary cancer-predisposing syndrome. Also called: Hereditary Cancer Syndrome; Hereditary neoplastic syndrome; Neoplastic Syndromes, Hereditary; Tumor predisposition. Identifiers: Orphanet 140162, MedGen C0027672, MeSH D009386, MONDO:0015356.

Submission:

Sema4
Classification: Likely pathogenic for Hereditary cancer-predisposing syndrome. Last evaluated: 2021-05-20. Review status: criteria provided, single submitter. Criteria: Sema4 Curation Guidelines. Collection method: curation. Allele origin: germline.
Comment: The BRCA2 c.4961_4971delGTTACACAAAT (p.C1654SfsX8) variant has not been reported in the literature to our knowledge. This variant causes a frameshift at amino acid 1654 that results in premature termination 8 amino acids downstream. At this location, this is predicted to cause nonsense-mediated decay and result in an absent protein (loss of function). This variant is not reported in the Genome Aggregation Database (PMID: 32461654). This variant has not been reported in ClinVar. Based on the current evidence available, this variant is interpreted as likely pathogenic.